The following is an entry in ClinVar:

NM_000404.4(GLB1):c.921G>A (p.Met307Ile)

Gene: GLB1 (galactosidase beta 1; minus strand). Cytogenetic location: 3p22.3.
Variant type: single nucleotide variant.
Coding change: c.921G>A on transcript NM_000404.4 (MANE Select); coding-DNA position 921, G replaced by A.
Protein change: p.Met307Ile; replaces methionine 307 with isoleucine.
Molecular consequence: missense variant.
Genome position (GRCh38, 1-based): chr3:33,051,792, C>T on the plus strand (G>A on the coding strand, the complement: GLB1 is on the minus strand). VCF-style: chr3-33051792-C-T. GRCh37 (hg19) VCF-style: chr3-33093284-C-T.
Other names: c.831G>A, p.Met277Ile (NM_001079811.3); c.528G>A, p.Met176Ile (NM_001135602.3); c.1065G>A, p.Met355Ile (NM_001317040.2); c.921G>A, p.Met307Ile (NM_001393580.1); short protein forms M176I, M277I, M355I, M307I.
Identifiers: ClinVar variation 809442 (VCV000809442.43), dbSNP rs1575451599, ClinGen allele CA352001054.
Genomic context (GRCh38, chr3:33,051,792, plus strand): 5'-TTCTACAGATATTAAAGTGCTCTTACCATTCCAATAGGCAAAATTGGTCCCACCTATAAA[C>T]ATGTACCTACAAGGAAACAAAAGAACACGGTACTTCACTGTGAGCCCATGGCTACTGAGG-3'
Protein context (NP_000395.3, residues 297-317): LARGASVNLY[Met307Ile]FIGGTNFAYW

ClinVar aggregate classification (germline): Conflicting classifications of pathogenicity. Review status: criteria provided, conflicting classifications (1 of 4 stars). 3 submissions from 3 submitters: Likely pathogenic (1); Uncertain significance (2). Last evaluated 2025-10-14.

Conditions:
GLB1-related disorder. Also called: GLB1-related disorders. Identifiers: MedGen CN377807.

Submissions (3):

3billion
Classification: Uncertain significance for GLB1-related disorder. Last evaluated: 2025-10-14. Review status: criteria provided, single submitter. Criteria: ACMG Guidelines, 2015. Collection method: clinical testing. Allele origin: germline. Affected: yes.
Comment: The variant is not observed in the gnomAD v4.1.0 dataset. Predicted Consequence/Location: Missense variant In silico tool predictions suggest damaging effect of the variant on gene or gene product [REVEL: 0.95 (>=0.6, sensitivity 0.68 and specificity 0.92); 3Cnet: 0.82 (> 0.75, sensitivity 0.96 and precision 0.92)]. The same nucleotide change resulting in the same amino acid change has been previously reported to be associated with GLB1-related disorder (ClinVar ID: VCV000809442). Therefore, this variant is classified as VUS according to the recommendation of ACMG/AMP guideline.

Centre of Medical Genetics, University Hospital Muenster
Classification: Likely pathogenic. Last evaluated: 2023-02-27. Review status: criteria provided, single submitter. Criteria: ACMG Guidelines, 2015. Collection method: clinical testing. Allele origin: unknown. Affected: yes. Observed: 1 variant allele, 1 heterozygote.
Comment: ACMG categories: PM1,PM2,PP1,PP3,PP4

CeGaT Center for Human Genetics Tuebingen
Classification: Uncertain significance. Last evaluated: 2018-05-01. Review status: criteria provided, single submitter. Criteria: CeGaT Center For Human Genetics Tuebingen Variant Classification Criteria Version 2. Collection method: clinical testing. Allele origin: germline. Affected: yes. Observed: 1 variant allele.